The following is an entry in ClinVar:

NM_001918.5(DBT):c.61C>T (p.Arg21Cys)

Gene: DBT (dihydrolipoamide branched chain transacylase E2; minus strand). Cytogenetic location: 1p21.2.
Variant type: single nucleotide variant.
Coding change: c.61C>T on transcript NM_001918.5 (MANE Select); coding-DNA position 61, C replaced by T.
Protein change: p.Arg21Cys; replaces arginine 21 with cysteine.
Molecular consequence: missense variant.
Genome position (GRCh38, 1-based): chr1:100,240,875, G>A on the plus strand (C>T on the coding strand, the complement: DBT is on the minus strand). VCF-style: chr1-100240875-G-A. GRCh37 (hg19) VCF-style: chr1-100706431-G-A.
Other names: short protein forms R21C.
Identifiers: ClinVar variation 94008 (VCV000094008.9), dbSNP rs398123673, ClinGen allele CA221898.
Genomic context (GRCh38, chr1:100,240,875, plus strand): 5'-CAAAGAAACACACATAATTTGGCTTCAAAACATGAACATTACCACATGTTTGAAAATAGC[G>A]AACACAAATCTACAGATGAGAAAACAAAAAGTAAAAGCATTTATAAACAACCATACCGGC-3'
Protein context (NP_001909.4, residues 11-31): SRNAGKLICV[Arg21Cys]YFQTCGNVHV

ClinVar aggregate classification (germline): Uncertain significance. Review status: criteria provided, multiple submitters, no conflicts (2 of 4 stars). 4 submissions from 4 submitters: Uncertain significance (3). 1 of the submissions does not count toward it. Last evaluated 2022-03-11.

Conditions:
Maple syrup urine disease (MSUD). Identifiers: Orphanet 511, MedGen C0024776, MeSH D008375, MONDO:0009563. Disease mechanism: loss of function.
Maple syrup urine disease type 1A (MSUD1A). Also called: MSUD type 1A. Identifiers: MedGen C1855369, MONDO:0023691, OMIM 248600.

Allele frequency attached by ClinVar (database versions not stated): ExAC 0.00001; gnomAD 0.00001; gnomAD exomes 0.00002; TOPMed 0.00003.

Submissions (4):

Labcorp Genetics (formerly Invitae), Labcorp
Classification: Uncertain significance for Maple syrup urine disease. Last evaluated: 2022-03-11. Review status: criteria provided, single submitter. Criteria: Invitae Variant Classification Sherloc (09022015). Collection method: clinical testing. Allele origin: germline.
Comment: This sequence change replaces arginine, which is basic and polar, with cysteine, which is neutral and slightly polar, at codon 21 of the DBT protein (p.Arg21Cys). This variant is present in population databases (rs398123673, gnomAD 0.02%). This variant has not been reported in the literature in individuals affected with DBT-related conditions. ClinVar contains an entry for this variant (Variation ID: 94008). Advanced modeling of protein sequence and biophysical properties (such as structural, functional, and spatial information, amino acid conservation, physicochemical variation, residue mobility, and thermodynamic stability) performed at Invitae indicates that this missense variant is not expected to disrupt DBT protein function. Algorithms developed to predict the effect of sequence changes on RNA splicing suggest that this variant may create or strengthen a splice site. In summary, the available evidence is currently insufficient to determine the role of this variant in disease. Therefore, it has been classified as a Variant of Uncertain Significance.

Genome-Nilou Lab
Classification: Uncertain significance for Maple syrup urine disease type 1A. Last evaluated: 2021-11-07. Review status: criteria provided, single submitter. Criteria: ACMG Guidelines, 2015. Collection method: clinical testing. Allele origin: germline. Affected: no.

Eurofins Ntd Llc (ga)
Classification: Uncertain significance. Last evaluated: 2013-09-04. Review status: criteria provided, single submitter. Criteria: EGL Classification Definitions 2015. Collection method: clinical testing. Allele origin: germline. Observed: 1 variant allele, 1 heterozygote.

Counsyl
Classification: Uncertain significance for Maple syrup urine disease type 1A. Last evaluated: 2017-11-16. Review status: no assertion criteria provided. Collection method: clinical testing. Allele origin: unknown. Not counted in ClinVar's aggregate classification.